The following is an entry in ClinVar:

NM_006361.6(HOXB13):c.45C>G (p.Ile15Met)

Gene: HOXB13 (homeobox B13; minus strand). Cytogenetic location: 17q21.32.
Variant type: single nucleotide variant.
Coding change: c.45C>G on transcript NM_006361.6 (MANE Select); coding-DNA position 45, C replaced by G.
Protein change: p.Ile15Met; replaces isoleucine 15 with methionine.
Molecular consequence: missense variant.
Genome position (GRCh38, 1-based): chr17:48,728,549, G>C on the plus strand (C>G on the coding strand, the complement: HOXB13 is on the minus strand). VCF-style: chr17-48728549-G-C. GRCh37 (hg19) VCF-style: chr17-46805911-G-C.
Other names: short protein forms I15M.
Identifiers: ClinVar variation 690776 (VCV000690776.3), dbSNP rs1597935282, ClinGen allele CA400109782.
Genomic context (GRCh38, chr17:48,728,549, plus strand): 5'-GCTGGTCAGAGGGGAGTGGGCGACCAGATTCCGCCCCCCTCCCGCTCCCAGCAAGCCTTC[G>C]ATATCCTTGGCTCCATCCAAGGTGGCATAATTGCCGGGCTCCATGGAGCCGAGGGTCGGC-3'
Protein context (NP_006352.2, residues 5-25): NYATLDGAKD[Ile15Met]EGLLGAGGGR

ClinVar aggregate classification (germline): Uncertain significance. Review status: criteria provided, single submitter (1 of 4 stars). 2 submissions from 2 submitters: Uncertain significance (1). 1 of the submissions does not count toward it. Last evaluated 2025-03-03.

Conditions:
Prostate cancer, hereditary, 1 (HPC1). Identifiers: Orphanet 1331, MedGen C4722327, MONDO:0011098, OMIM 601518.

Allele frequency attached by ClinVar (database versions not stated): gnomAD exomes below 0.00001.
gnomAD v4.1: 1 of 1,613,002 alleles (0.000062%); highest among the groups gnomAD compares: Non-Finnish European, 0.000085%; no homozygotes.

Submissions (2):

Labcorp Genetics (formerly Invitae), Labcorp
Classification: Uncertain significance. Last evaluated: 2025-03-03. Review status: criteria provided, single submitter. Criteria: Invitae Variant Classification Sherloc (09022015). Collection method: clinical testing. Allele origin: germline.
Comment: This sequence change replaces isoleucine, which is neutral and non-polar, with methionine, which is neutral and non-polar, at codon 15 of the HOXB13 protein (p.Ile15Met). This variant is not present in population databases (gnomAD no frequency). This variant has not been reported in the literature in individuals affected with HOXB13-related conditions. ClinVar contains an entry for this variant (Variation ID: 690776). An algorithm developed to predict the effect of missense changes on protein structure and function outputs the following: PolyPhen-2: "Benign". The methionine amino acid residue is found in multiple mammalian species, which suggests that this missense change does not adversely affect protein function. In summary, the available evidence is currently insufficient to determine the role of this variant in disease. Therefore, it has been classified as a Variant of Uncertain Significance.

Laboratory of Virology, Microbiology,  Quality and Medical Biotechnologies, Faculty of Sciences and Techniques - Mohammedia, Hassan II University of Casablanca
Classification: Uncertain significance for Prostate cancer, hereditary, 1. Review status: no assertion criteria provided. Collection method: clinical testing. Allele origin: somatic. Affected: yes. Not counted in ClinVar's aggregate classification.